The following is an entry in ClinVar:

NM_001272071.2(AP1S2):c.289-8C>T

Gene: AP1S2 (adaptor related protein complex 1 subunit sigma 2; minus strand). Cytogenetic location: Xp22.2.
Variant type: single nucleotide variant.
Coding change: c.289-8C>T on transcript NM_001272071.2 (MANE Select); 8 bases into the intron before coding-DNA position 289, C replaced by T.
Molecular consequence: intron variant.
Genome position (GRCh38, 1-based): chrX:15,845,524, G>A on the plus strand (C>T on the coding strand, the complement: AP1S2 is on the minus strand). VCF-style: chrX-15845524-G-A. GRCh37 (hg19) VCF-style: chrX-15863647-G-A.
Other names: c.289-8C>T (NM_003916.5, NM_001368994.1, NM_001369007.1 and 2 more transcripts).
Identifiers: ClinVar variation 434218 (VCV000434218.40), dbSNP rs770199415, ClinGen allele CA10356438.

ClinVar aggregate classification (germline): Benign/Likely benign. Review status: criteria provided, multiple submitters, no conflicts (2 of 4 stars). 5 submissions from 5 submitters: Benign (1); Likely benign (3). 1 of the submissions does not count toward it. Last evaluated 2025-12-24.

Conditions:
AP1S2-related disorder. Also called: AP1S2-related condition.
Inborn genetic diseases. Identifiers: MedGen C0950123, MeSH D030342.

Allele frequency attached by ClinVar (database versions not stated): gnomAD exomes 0.00015; ExAC 0.00016; gnomAD 0.00016 and 0.00017.

Submissions (5):

Labcorp Genetics (formerly Invitae), Labcorp
Classification: Benign. Last evaluated: 2025-12-24. Review status: criteria provided, single submitter. Criteria: Invitae Variant Classification Sherloc (09022015). Collection method: clinical testing. Allele origin: germline.

CeGaT Center for Human Genetics Tuebingen
Classification: Likely benign. Last evaluated: 2023-05-01. Review status: criteria provided, single submitter. Criteria: CeGaT Center For Human Genetics Tuebingen Variant Classification Criteria Version 2. Collection method: clinical testing. Allele origin: germline. Affected: yes. Observed: 3 variant alleles.
Comment: AP1S2: BP4, BS2

Ambry Genetics
Classification: Likely benign for Inborn genetic diseases. Last evaluated: 2019-09-19. Review status: criteria provided, single submitter. Criteria: Ambry Variant Classification Scheme 2023. Collection method: clinical testing. Allele origin: germline.

Genetic Services Laboratory, University of Chicago
Classification: Likely benign. Last evaluated: 2016-12-16. Review status: criteria provided, single submitter. Criteria: ACMG Guidelines, 2015. Collection method: clinical testing. Allele origin: germline. Affected: no.

PreventionGenetics, part of Exact Sciences
Classification: Likely benign for AP1S2-related condition. Last evaluated: 2019-06-06. Review status: no assertion criteria provided. Collection method: clinical testing. Allele origin: germline. Not counted in ClinVar's aggregate classification.
Comment: This variant is classified as likely benign based on ACMG/AMP sequence variant interpretation guidelines (Richards et al. 2015 PMID: 25741868, with internal and published modifications).